The following is an entry in ClinVar:

ClinVar aggregate classification (germline): Uncertain significance. Review status: criteria provided, multiple submitters, no conflicts (2 of 4 stars). 2 submissions from 2 submitters: Uncertain significance (2). Last evaluated 2025-12-29.

Conditions:
Inborn genetic diseases. Identifiers: MedGen C0950123, MeSH D030342.

gnomAD v4.1: 2 of 1,614,190 alleles (0.00012%); highest among the groups gnomAD compares: Admixed American, 0.0033%; no homozygotes.

Submissions (2):

Labcorp Genetics (formerly Invitae), Labcorp
Classification: Uncertain significance. Last evaluated: 2025-12-29. Review status: criteria provided, single submitter. Criteria: Invitae Variant Classification Sherloc (09022015). Collection method: clinical testing. Allele origin: germline.
Comment: This sequence change replaces aspartic acid, which is acidic and polar, with asparagine, which is neutral and polar, at codon 1092 of the FLNB protein (p.Asp1092Asn). This variant is present in population databases (rs779636102, gnomAD 0.006%). This variant has not been reported in the literature in individuals affected with FLNB-related conditions. ClinVar contains an entry for this variant (Variation ID: 3850754). Invitae Evidence Modeling of protein sequence and biophysical properties (such as structural, functional, and spatial information, amino acid conservation, physicochemical variation, residue mobility, and thermodynamic stability) indicates that this missense variant is not expected to disrupt FLNB protein function with a negative predictive value of 95%. Algorithms developed to predict the effect of sequence changes on RNA splicing suggest that this variant may create or strengthen a splice site. In summary, the available evidence is currently insufficient to determine the role of this variant in disease. Therefore, it has been classified as a Variant of Uncertain Significance.

Ambry Genetics
Classification: Uncertain significance for Inborn genetic diseases. Last evaluated: 2025-02-05. Review status: criteria provided, single submitter. Criteria: Ambry Variant Classification Scheme 2023. Collection method: clinical testing. Allele origin: germline.

NM_001457.4(FLNB):c.3274G>A (p.Asp1092Asn)

Gene: FLNB (filamin B; plus strand). Cytogenetic location: 3p14.3.
Variant type: single nucleotide variant.
Coding change: c.3274G>A on transcript NM_001457.4 (MANE Select); coding-DNA position 3274, G replaced by A.
Protein change: p.Asp1092Asn; replaces aspartic acid 1092 with asparagine.
Molecular consequence: missense variant.
Genome position (GRCh38, 1-based): chr3:58,123,240, G>A. VCF-style: chr3-58123240-G-A. GRCh37 (hg19) VCF-style: chr3-58108967-G-A.
Other names: c.3274G>A, p.Asp1092Asn (NM_001164317.2, NM_001164318.2, NM_001164319.2); short protein forms D1092N.
Identifiers: ClinVar variation 3850754 (VCV003850754.2).
Genomic context (GRCh38, chr3:58,123,240, plus strand): 5'-GGTCTGGGCTTAACGGTGGAAGGTCCGTGCGAGGCCAAAATCGAGTGCTCCGACAATGGT[G>A]ATGGGACCTGCTCCGTCTCTTACCTTCCCACAAAACCCGGGGAGTACTTCGTCAACATCC-3'
Protein context (NP_001448.2, residues 1082-1102): EAKIECSDNG[Asp1092Asn]GTCSVSYLPT